The following is an entry in ClinVar:

NM_001759.4(CCND2):c.853C>A (p.Arg285=)

Gene: CCND2 (cyclin D2; plus strand). Cytogenetic location: 12p13.32.
Variant type: single nucleotide variant.
Coding change: c.853C>A on transcript NM_001759.4 (MANE Select); coding-DNA position 853, C replaced by A.
Protein change: p.Arg285=; no amino-acid change (arginine 285 retained).
Molecular consequence: synonymous variant.
Genome position (GRCh38, 1-based): chr12:4,299,992, C>A. VCF-style: chr12-4299992-C-A. GRCh37 (hg19) VCF-style: chr12-4409158-C-A.
Identifiers: ClinVar variation 3061433 (VCV003061433.2), dbSNP rs1199912313, ClinGen allele CA477950133.

ClinVar aggregate classification (germline): Likely benign (0 of 4 stars; one submission).

Conditions:
CCND2-related disorder. Also called: CCND2-related condition.

Submission:

PreventionGenetics, part of Exact Sciences
Classification: Likely benign for CCND2-related condition. Last evaluated: 2024-02-22. Review status: no assertion criteria provided. Collection method: clinical testing. Allele origin: germline.
Comment: This variant is classified as likely benign based on ACMG/AMP sequence variant interpretation guidelines (Richards et al. 2015 PMID: 25741868, with internal and published modifications).